The following is an entry in ClinVar:

NM_002585.4(PBX1):c.787G>A (p.Glu263Lys)

Gene: PBX1 (PBX homeobox 1; plus strand). Cytogenetic location: 1q23.3.
Variant type: single nucleotide variant.
Coding change: c.787G>A on transcript NM_002585.4 (MANE Select); coding-DNA position 787, G replaced by A.
Protein change: p.Glu263Lys; replaces glutamic acid 263 with lysine.
Molecular consequence: missense variant.
Genome position (GRCh38, 1-based): chr1:164,807,627, G>A. VCF-style: chr1-164807627-G-A. GRCh37 (hg19) VCF-style: chr1-164776864-G-A.
Other names: c.787G>A, p.Glu263Lys (NM_001204961.2, NM_001204963.2, NM_001353131.2); c.538G>A, p.Glu180Lys (NM_001353130.1); short protein forms E180K, E263K.
Identifiers: ClinVar variation 4527657 (VCV004527657.1).
Genomic context (GRCh38, chr1:164,807,627, plus strand): 5'-CAAGCGACAGAAATCCTGAATGAATATTTCTATTCCCATCTCAGCAACCCTTACCCCAGT[G>A]AGGAAGCCAAAGAGGAGTTAGCCAAGAAGTGTGGCATCACAGTCTCCCAGGTAAGCAGCA-3'
Protein context (NP_002576.1, residues 253-273): YSHLSNPYPS[Glu263Lys]EAKEELAKKC

ClinVar aggregate classification (germline): Uncertain significance (1 of 4 stars; one submission).

Submission:

GeneDx
Classification: Uncertain significance. Last evaluated: 2025-04-29. Review status: criteria provided, single submitter. Criteria: GeneDx Variant Classification Process June 2021. Collection method: clinical testing. Allele origin: germline. Affected: yes.
Comment: Not observed at significant frequency in large population cohorts (gnomAD); In silico analysis supports that this missense variant has a deleterious effect on protein structure/function; Has been published in a child with hydronephrosis, feeding difficulties, hypotonia, and respiratory tract infections (PMID: 38259611); This variant is associated with the following publications: (PMID: 38259611)